The following is an entry in ClinVar:

NM_006031.6(PCNT):c.1035C>G (p.Thr345=)

Gene: PCNT (pericentrin; plus strand). Cytogenetic location: 21q22.3.
Variant type: single nucleotide variant.
Coding change: c.1035C>G on transcript NM_006031.6 (MANE Select); coding-DNA position 1035, C replaced by G.
Protein change: p.Thr345=; no amino-acid change (threonine 345 retained).
Molecular consequence: synonymous variant.
Genome position (GRCh38, 1-based): chr21:46,349,014, C>G. VCF-style: chr21-46349014-C-G. GRCh37 (hg19) VCF-style: chr21-47768928-C-G.
Other names: c.681C>G, p.Thr227= (NM_001315529.2).
Identifiers: ClinVar variation 4994200 (VCV004994200.1).

ClinVar aggregate classification (germline): Likely benign (1 of 4 stars; one submission).

Conditions:
PCNT-related disorder. Also called: PCNT-related condition.

gnomAD v4.1: 1 of 1,568,528 alleles (0.000064%); highest among the groups gnomAD compares: Non-Finnish European, 0.000088%; no homozygotes.

Submission:

PreventionGenetics, part of Exact Sciences
Classification: Likely benign for PCNT-related condition. Last evaluated: 2026-06-10. Review status: criteria provided, single submitter. Criteria: ACMG Guidelines, 2015. Collection method: clinical testing. Allele origin: germline.
Comment: This variant is classified as likely benign based on ACMG/AMP sequence variant interpretation guidelines (Richards et al. 2015 PMID: 25741868, with internal and published modifications).